The following is an entry in ClinVar:

NM_201384.3(PLEC):c.6935_6949dup (p.Met2316_Gln2317insLeuLysGluLysMet)

Gene: PLEC (plectin; minus strand). Cytogenetic location: 8q24.3.
Variant type: Duplication.
Coding change: c.6935_6949dup on transcript NM_201384.3 (MANE Select); coding-DNA positions 6935 to 6949, 15 bases duplicated (TCAAGGAGAAGATGC).
Protein change: p.Met2316_Gln2317insLeuLysGluLysMet.
Molecular consequence: inframe insertion. On other transcripts: intron variant (1).
Genome position (GRCh38, 1-based): chr8:143,922,980-143,922,994, GCATCTTCTCCTTGA duplicated on the plus strand (TCAAGGAGAAGATGC on the coding strand, the reverse complement: PLEC is on the minus strand); duplicating any 15 consecutive bases within chr8:143,922,980-143,923,004 gives the same sequence; the c. name uses the placement nearest the transcript's 3' end. VCF-style (leftmost placement, unchanged base first): chr8-143922979-T-TGCATCTTCTCCTTGA. GRCh37 (hg19) VCF-style: chr8-144997147-T-TGCATCTTCTCCTTGA.
Other names: c.7016_7030dup, p.Met2343_Gln2344insLeuLysGluLysMet (NM_000445.5); c.6893_6907dup, p.Met2302_Gln2303insLeuLysGluLysMet (NM_201378.4); c.6869_6883dup, p.Met2294_Gln2295insLeuLysGluLysMet (NM_201379.3); c.7346_7360dup, p.Met2453_Gln2454insLeuLysGluLysMet (NM_201380.4); c.6839_6853dup, p.Met2284_Gln2285insLeuLysGluLysMet (NM_201381.3); c.6935_6949dup, p.Met2316_Gln2317insLeuLysGluLysMet (NM_201382.4); c.6947_6961dup, p.Met2320_Gln2321insLeuLysGluLysMet (NM_201383.3); c.4126-599_4126-585dup (NM_001410941.1).
Identifiers: ClinVar variation 4995996 (VCV004995996.1).

ClinVar aggregate classification (germline): Uncertain significance (1 of 4 stars; one submission).

Conditions:
PLEC-related disorder. Also called: PLEC-related disorders; PLEC-related condition.

Submission:

PreventionGenetics, part of Exact Sciences
Classification: Uncertain significance for PLEC-related condition. Last evaluated: 2026-09-02. Review status: criteria provided, single submitter. Criteria: ACMG Guidelines, 2015. Collection method: clinical testing. Allele origin: germline.
Comment: The PLEC c.7016_7030dup15 variant is predicted to result in an in-frame duplication (p.Leu2339_Met2343dup). To our knowledge, this variant has not been reported in the literature or in a large population database (gnomAD), indicating this variant is rare. At this time, the clinical significance of this variant is uncertain due to the absence of conclusive functional and genetic evidence.